The following is an entry in ClinVar:

NM_001042492.3(NF1):c.4277T>C (p.Ile1426Thr)

Gene: NF1 (neurofibromin 1; plus strand). Cytogenetic location: 17q11.2.
Variant type: single nucleotide variant.
Coding change: c.4277T>C on transcript NM_001042492.3 (MANE Select); coding-DNA position 4277, T replaced by C.
Protein change: p.Ile1426Thr; replaces isoleucine 1426 with threonine.
Molecular consequence: missense variant.
Genome position (GRCh38, 1-based): chr17:31,258,447, T>C. VCF-style: chr17-31258447-T-C. GRCh37 (hg19) VCF-style: chr17-29585465-T-C.
Other names: c.4214T>C, p.Ile1405Thr (NM_000267.4); short protein forms I1426T, I1405T.
Identifiers: ClinVar variation 481914 (VCV000481914.12), dbSNP rs1555618549, ClinGen allele CA398997987.

ClinVar aggregate classification (germline): Conflicting classifications of pathogenicity. Review status: criteria provided, conflicting classifications (1 of 4 stars). 4 submissions from 4 submitters: Uncertain significance (3); Likely benign (1). Last evaluated 2025-05-05.

Conditions:
Cardiovascular phenotype. Identifiers: MedGen CN230736.
Hereditary cancer-predisposing syndrome. Also called: Hereditary neoplastic syndrome; Neoplastic Syndromes, Hereditary; Tumor predisposition; Hereditary Cancer Syndrome. Identifiers: Orphanet 140162, MedGen C0027672, MeSH D009386, MONDO:0015356.
Neurofibromatosis, type 1 (NF1). Also called: VON RECKLINGHAUSEN DISEASE; Peripheral type neurofibromatosis; NEUROFIBROMATOSIS, TYPE I, SOMATIC; Neurofibromatosis, type I. Identifiers: Orphanet 636, MedGen C0027831, MONDO:0018975, OMIM 162200. Disease mechanism: loss of function.

Submissions (4):

Labcorp Genetics (formerly Invitae), Labcorp
Classification: Likely benign for Neurofibromatosis, type 1. Last evaluated: 2025-05-05. Review status: criteria provided, single submitter. Criteria: Invitae Variant Classification Sherloc (09022015). Collection method: clinical testing. Allele origin: germline.

Genome-Nilou Lab
Classification: Uncertain significance for Neurofibromatosis, type 1. Last evaluated: 2022-03-15. Review status: criteria provided, single submitter. Criteria: ACMG Guidelines, 2015. Collection method: clinical testing. Allele origin: germline. Affected: no.

Ambry Genetics
Classification: Uncertain significance for Cardiovascular phenotype; Hereditary cancer-predisposing syndrome. Last evaluated: 2021-05-28. Review status: criteria provided, single submitter. Criteria: Ambry Variant Classification Scheme 2023. Collection method: clinical testing. Allele origin: germline.
Comment: The p.I1405T variant (also known as c.4214T>C), located in coding exon 31 of the NF1 gene, results from a T to C substitution at nucleotide position 4214. The isoleucine at codon 1405 is replaced by threonine, an amino acid with similar properties. This amino acid position is highly conserved in available vertebrate species. In addition, this alteration is predicted to be deleterious by in silico analysis. Since supporting evidence is limited at this time, the clinical significance of this alteration remains unclear.

Sema4
Classification: Uncertain significance for Hereditary cancer-predisposing syndrome. Last evaluated: 2021-04-21. Review status: criteria provided, single submitter. Criteria: Sema4 Curation Guidelines. Collection method: curation. Allele origin: germline.
Comment: The NF1 c.4214T>C (p.I1405T) variant has not been reported in the literature to our knowledge. It was not observed in the large and broad cohorts of the Genome Aggregation Database (PMID: 32461654). The variant has been reported in ClinVar (Variation ID 481914). In silico tools suggest the impact of the variant on protein function is deleterious, though these predictions have not been confirmed by functional studies. The evidence is insufficient to meet ACMG/AMP criteria for classifying the variant as benign or pathogenic. Thus, the clinical significance of this variant is currently uncertain.